The following is an entry in ClinVar:

NM_000245.4(MET):c.2406C>T (p.Thr802=)

Gene: MET (MET proto-oncogene, receptor tyrosine kinase; plus strand). Cytogenetic location: 7q31.2.
Variant type: single nucleotide variant.
Coding change: c.2406C>T on transcript NM_000245.4 (MANE Select); coding-DNA position 2406, C replaced by T.
Protein change: p.Thr802=; no amino-acid change (threonine 802 retained).
Molecular consequence: synonymous variant.
Genome position (GRCh38, 1-based): chr7:116,763,091, C>T. VCF-style: chr7-116763091-C-T. GRCh37 (hg19) VCF-style: chr7-116403145-C-T.
Other names: c.2460C>T, p.Thr820= (NM_001127500.3); c.2406C>T, p.Thr802= (NM_001324401.3); c.1116C>T, p.Thr372= (NM_001324402.2); c.2460C>T (NM_001127500.1).
Identifiers: ClinVar variation 1618229 (VCV001618229.10), dbSNP rs1433483763, ClinGen allele CA457441653.

ClinVar aggregate classification (germline): Benign/Likely benign. Review status: criteria provided, multiple submitters, no conflicts (2 of 4 stars). 3 submissions from 3 submitters: Benign (1); Likely benign (2). Last evaluated 2025-06-25.

Conditions:
Hereditary cancer-predisposing syndrome. Also called: Hereditary Cancer Syndrome; Neoplastic Syndromes, Hereditary; Hereditary neoplastic syndrome; Tumor predisposition. Identifiers: Orphanet 140162, MedGen C0027672, MeSH D009386, MONDO:0015356.
Renal cell carcinoma. Identifiers: Orphanet 217071, MedGen C0007134, MeSH D002292, MONDO:0005086, HP:0005584.
Papillary renal cell carcinoma type 1 (RCCP1). Also called: RENAL CELL CARCINOMA, PAPILLARY, 1, SOMATIC; Renal adenocarcinoma; Renal cell carcinoma 1; Renal cell carcinoma, somatic. Identifiers: Orphanet 47044, MedGen C1336839, OMIM 605074, HP:0011797.

Allele frequency attached by ClinVar (database versions not stated): TOPMed below 0.00001.
gnomAD v4.1: 5 of 1,613,698 alleles (0.00031%); highest among the groups gnomAD compares: South Asian, 0.0022%; no homozygotes.

Submissions (3):

Ambry Genetics
Classification: Likely benign for Hereditary cancer-predisposing syndrome. Last evaluated: 2025-06-25. Review status: criteria provided, single submitter. Criteria: Ambry Variant Classification Scheme 2023. Collection method: clinical testing. Allele origin: germline.

Labcorp Genetics (formerly Invitae), Labcorp
Classification: Likely benign for Renal cell carcinoma. Last evaluated: 2025-05-05. Review status: criteria provided, single submitter. Criteria: Invitae Variant Classification Sherloc (09022015). Collection method: clinical testing. Allele origin: germline.

Myriad Genetics, Inc.
Classification: Benign for Papillary renal cell carcinoma type 1. Last evaluated: 2024-11-11. Review status: criteria provided, single submitter. Criteria: Myriad Autosomal Dominant, Autosomal Recessive and X-Linked Classification Criteria (2023). Collection method: clinical testing. Allele origin: unknown.
Comment: This variant is considered benign. This variant is a silent/synonymous amino acid change and it is not expected to impact splicing.